The following is an entry in ClinVar:

NM_000535.7(PMS2):c.537+2T>C

Gene: PMS2 (PMS1 homolog 2, mismatch repair system component; minus strand). Cytogenetic location: 7p22.1.
Variant type: single nucleotide variant.
Coding change: c.537+2T>C on transcript NM_000535.7 (MANE Select); the canonical splice donor site of the intron after coding-DNA position 537, T replaced by C.
Molecular consequence: splice donor variant. On other transcripts: intron variant (1).
Genome position (GRCh38, 1-based): chr7:6,002,451, A>G on the plus strand (T>C on the coding strand, the complement: PMS2 is on the minus strand). VCF-style: chr7-6002451-A-G. GRCh37 (hg19) VCF-style: chr7-6042082-A-G.
Other names: c.219+2T>C (NM_001322008.2, NM_001406902.1, NM_001406883.1 and 4 more transcripts); c.228+2T>C (NM_001406881.1, NM_001406879.1, NM_001322015.2 and 6 more transcripts); c.132+2T>C (NM_001406895.1, NM_001406911.1, NM_001322010.2 and 24 more transcripts); c.-348+2T>C (NM_001322012.2, NM_001322011.2); c.250+1521T>C (NM_001406885.1); c.537+2T>C (NM_001406886.1, NM_001406884.1, NM_001406874.1 and 8 more transcripts); c.561+2T>C (NM_001406868.1); c.723+2T>C (NM_001406866.1).
Identifiers: ClinVar variation 1747104 (VCV001747104.6), dbSNP rs2128815420, ClinGen allele CA366744143.
Genomic context (GRCh38, chr7:6,002,451, plus strand): 5'-GTAAATCTTTTGCTCATGTGCATTAACCAATACTCTTGAAAACCAGGATTAATTTACTGT[A>G]CCTTCTTAATATTCCTTTGAAATTCCTTATGGCGCACAGGTAGTGTGGAAAATAACTGCT-3'

ClinVar aggregate classification (germline): Conflicting classifications of pathogenicity. Review status: criteria provided, conflicting classifications (1 of 4 stars). 3 submissions from 3 submitters: Pathogenic (1); Likely pathogenic (1); Uncertain significance (1). Last evaluated 2025-02-27.

Conditions:
Hereditary nonpolyposis colorectal neoplasms. Identifiers: MedGen C0009405, MeSH D003123.
Hereditary cancer-predisposing syndrome. Also called: Hereditary Cancer Syndrome; Neoplastic Syndromes, Hereditary; Tumor predisposition; Hereditary neoplastic syndrome. Identifiers: Orphanet 140162, MedGen C0027672, MeSH D009386, MONDO:0015356.
Lynch syndrome 4 (LYNCH4). Also called: Colorectal cancer, hereditary nonpolyposis, type 4; Hereditary non-polyposis colorectal cancer, type 4. Identifiers: Orphanet 144, MedGen C1838333, MONDO:0013699, OMIM 614337. Disease mechanism: loss of function.

Submissions (3):

Myriad Genetics, Inc.
Classification: Likely pathogenic for Lynch syndrome 4. Last evaluated: 2025-02-27. Review status: criteria provided, single submitter. Criteria: Myriad Autosomal Dominant, Autosomal Recessive and X-Linked Classification Criteria (2023). Collection method: clinical testing. Allele origin: unknown.
Comment: This variant is considered likely pathogenic. This variant occurs within a consensus splice junction and is predicted to result in abnormal mRNA splicing of either an out-of-frame exon or an in-frame exon necessary for protein stability and/or normal function.

Labcorp Genetics (formerly Invitae), Labcorp
Classification: Pathogenic for Hereditary nonpolyposis colorectal neoplasms. Last evaluated: 2023-08-02. Review status: criteria provided, single submitter. Criteria: Invitae Variant Classification Sherloc (09022015). Collection method: clinical testing. Allele origin: germline.
Comment: Algorithms developed to predict the effect of sequence changes on RNA splicing suggest that this variant may disrupt the consensus splice site. For these reasons, this variant has been classified as Pathogenic. ClinVar contains an entry for this variant (Variation ID: 1747104). Disruption of this splice site has been observed in individuals with colorectal and/or endometrial cancer (PMID: 20587412; Invitae). This variant is not present in population databases (gnomAD no frequency). This sequence change affects a donor splice site in intron 5 of the PMS2 gene. It is expected to disrupt RNA splicing. Variants that disrupt the donor or acceptor splice site typically lead to a loss of protein function (PMID: 16199547), and loss-of-function variants in PMS2 are known to be pathogenic (PMID: 21376568, 24362816).

Ambry Genetics
Classification: Uncertain significance for Hereditary cancer-predisposing syndrome. Last evaluated: 2022-03-25. Review status: criteria provided, single submitter. Criteria: Ambry Variant Classification Scheme 2023. Collection method: clinical testing. Allele origin: germline.
Comment: The c.537+2T>C intronic variant results from a T to C substitution two nucleotides after coding exon 5 in the PMS2 gene. In silico splice site analysis predicts that this alteration will weaken the native splice donor site. This nucleotide position is highly conserved in available vertebrate species. Alterations that disrupt the canonical splice site are expected to cause aberrant splicing, resulting in an abnormal protein or a transcript that is subject to nonsense-mediated mRNA decay; however, +2T>C alterations are capable of generating wild-type transcripts in some genomic contexts and should be interpreted with caution (Lin JH et al. Hum Mutat. 2019 10;40:1856-1873). Since supporting evidence is limited at this time, the clinical significance of this alteration remains unclear.

Literature cited by the submitters: PubMed 20587412 (cited by Labcorp Genetics (formerly Invitae), Labcorp); PubMed 16199547 (cited by Labcorp Genetics (formerly Invitae), Labcorp); PubMed 21376568 (cited by Labcorp Genetics (formerly Invitae), Labcorp); PubMed 24362816 (cited by Labcorp Genetics (formerly Invitae), Labcorp).